The following is an entry in ClinVar:

NM_000057.4(BLM):c.1846A>T (p.Asn616Tyr)

Gene: BLM (BLM RecQ like helicase; plus strand). Cytogenetic location: 15q26.1.
Variant type: single nucleotide variant.
Coding change: c.1846A>T on transcript NM_000057.4 (MANE Select); coding-DNA position 1846, A replaced by T.
Protein change: p.Asn616Tyr; replaces asparagine 616 with tyrosine.
Molecular consequence: missense variant.
Genome position (GRCh38, 1-based): chr15:90,761,219, A>T. VCF-style: chr15-90761219-A-T. GRCh37 (hg19) VCF-style: chr15-91304449-A-T.
Other names: c.1846A>T, p.Asn616Tyr (NM_001287246.2, NM_001287247.2); c.721A>T, p.Asn241Tyr (NM_001287248.2); short protein forms N241Y, N616Y.
Identifiers: ClinVar variation 1027086 (VCV001027086.10), dbSNP rs1895979171, ClinGen allele CA393843967.

ClinVar aggregate classification (germline): Uncertain significance (1 of 4 stars; one submission).

Conditions:
Bloom syndrome (BLM). Also called: Bloom-Torre-Machacek syndrome. Identifiers: Orphanet 125, MedGen C0005859, MONDO:0008876, OMIM 210900.

Submission:

Labcorp Genetics (formerly Invitae), Labcorp
Classification: Uncertain significance for Bloom syndrome. Last evaluated: 2020-01-13. Review status: criteria provided, single submitter. Criteria: Invitae Variant Classification Sherloc (09022015). Collection method: clinical testing. Allele origin: germline.
Comment: In summary, the available evidence is currently insufficient to determine the role of this variant in disease. Therefore, it has been classified as a Variant of Uncertain Significance. Algorithms developed to predict the effect of missense changes on protein structure and function are either unavailable or do not agree on the potential impact of this missense change (SIFT: "Deleterious"; PolyPhen-2: "Benign"; Align-GVGD: "Class C0"). This variant has not been reported in the literature in individuals with BLM-related conditions. This variant is not present in population databases (ExAC no frequency). This sequence change replaces asparagine with tyrosine at codon 616 of the BLM protein (p.Asn616Tyr). The asparagine residue is weakly conserved and there is a large physicochemical difference between asparagine and tyrosine.